The following is an entry in ClinVar:

NM_003954.5(MAP3K14):c.1420+4A>G

Gene: MAP3K14 (mitogen-activated protein kinase kinase kinase 14; minus strand). Cytogenetic location: 17q21.31.
Variant type: single nucleotide variant.
Coding change: c.1420+4A>G on transcript NM_003954.5 (MANE Select); 4 bases into the intron after coding-DNA position 1420, A replaced by G.
Molecular consequence: intron variant.
Genome position (GRCh38, 1-based): chr17:45,274,460, T>C on the plus strand (A>G on the coding strand, the complement: MAP3K14 is on the minus strand). VCF-style: chr17-45274460-T-C. GRCh37 (hg19) VCF-style: chr17-43351827-T-C.
Other names: c.1420+4A>G (LRG_1222t1).
Identifiers: ClinVar variation 643399 (VCV000643399.7), dbSNP rs1598246653, ClinGen allele CA915950158.

ClinVar aggregate classification (germline): Uncertain significance (1 of 4 stars; one submission).

Conditions:
NIK deficiency. Also called: Primary immunodeficiency with multifaceted aberrant lymphoid immunity. Identifiers: Orphanet 447731, MedGen C5680065, MONDO:0018642.

Submission:

Labcorp Genetics (formerly Invitae), Labcorp
Classification: Uncertain significance for NIK deficiency. Last evaluated: 2018-11-13. Review status: criteria provided, single submitter. Criteria: Invitae Variant Classification Sherloc (09022015). Collection method: clinical testing. Allele origin: germline.
Comment: In summary, the available evidence is currently insufficient to determine the role of this variant in disease. Therefore, it has been classified as a Variant of Uncertain Significance. Nucleotide substitutions within the consensus splice site are a relatively common cause of aberrant splicing (PMID: 17576681, 9536098). Algorithms developed to predict the effect of sequence changes on RNA splicing suggest that this variant may disrupt the consensus splice site, but this prediction has not been confirmed by published transcriptional studies. This variant has not been reported in the literature in individuals with MAP3K14-related disease. This variant is not present in population databases (ExAC no frequency). This sequence change falls in intron 7 of the MAP3K14 gene. It does not directly change the encoded amino acid sequence of the MAP3K14 protein, but it affects a nucleotide within the consensus splice site of the intron.

Literature cited by the submitters: PubMed 17576681; PubMed 9536098.